The following is an entry in ClinVar:

ClinVar aggregate classification (germline): other (0 of 4 stars; one submission).

Conditions:
Familial colorectal cancer. Identifiers: MedGen CN280943, MONDO:0023113. Disease mechanism: loss of function.

Submission:

Systems Biology Platform Zhejiang California International NanoSystems Institute
Classification: other for Familial colorectal cancer. Review status: no assertion criteria provided. Collection method: not provided. Allele origin: unknown.
ClinVar note: Converted during submission from cancer to other.

NM_000038.6(APC):c.-19+6806A>T

Gene: APC (APC regulator of WNT signaling pathway; plus strand). Cytogenetic location: 5q22.2.
Variant type: single nucleotide variant.
Coding change: c.-19+6806A>T on transcript NM_000038.6 (MANE Select); 6806 bases into the intron after 19 bases upstream of the start codon, A replaced by T.
Molecular consequence: intron variant.
Genome position (GRCh38, 1-based): chr5:112,744,731, A>T. VCF-style: chr5-112744731-A-T. GRCh37 (hg19) VCF-style: chr5-112080428-A-T.
Other names: c.-18-10142A>T (NM_001354895.2); c.166-21595A>T (NM_001354897.2, NM_001354902.2, NM_001127511.3); c.-19+6271A>T (NM_001127510.3); c.60+6271A>T (NM_001354898.2, NM_001354904.2); c.-1054+6806A>T (NM_001354906.2); c.-19+6806A>T (NM_001354896.2, NM_001354903.2, NM_001354899.2); c.-43+6806A>T (NM_001354900.2, NM_001354901.2, NM_001354905.2).
Identifiers: ClinVar variation 82768 (VCV000082768.2), dbSNP rs76978459, ClinGen allele CA006939.